The following is an entry in ClinVar:

NM_002335.4(LRP5):c.1988A>G (p.Asn663Ser)

Gene: LRP5 (LDL receptor related protein 5; plus strand). Cytogenetic location: 11q13.2.
Variant type: single nucleotide variant.
Coding change: c.1988A>G on transcript NM_002335.4 (MANE Select); coding-DNA position 1988, A replaced by G.
Protein change: p.Asn663Ser; replaces asparagine 663 with serine.
Molecular consequence: missense variant.
Genome position (GRCh38, 1-based): chr11:68,406,710, A>G. VCF-style: chr11-68406710-A-G. GRCh37 (hg19) VCF-style: chr11-68174178-A-G.
Other names: c.245A>G, p.Asn82Ser (NM_001291902.2); c.1988A>G (NM_002335.3); short protein forms N82S, N663S.
Identifiers: ClinVar variation 4623903 (VCV004623903.3).
Genomic context (GRCh38, chr11:68,406,710, plus strand): 5'-CTGAGGCCTTCTTGGTCTTCACCAGCAGAGCCGCCATCCACAGGATCTCCCTCGAGACCA[A>G]TAACAACGACGTGGCCATCCCGCTCACGGGCGTCAAGGAGGCCTCAGCCCTGGACTTTGA-3'
Protein context (NP_002326.2, residues 653-673): AAIHRISLET[Asn663Ser]NNDVAIPLTG

ClinVar aggregate classification (germline): Uncertain significance. Review status: criteria provided, multiple submitters, no conflicts (2 of 4 stars). 3 submissions from 3 submitters: Uncertain significance (3). Last evaluated 2026-08-03.

Conditions:
Inborn genetic diseases. Identifiers: MedGen C0950123, MeSH D030342.
LRP5-related disorder. Also called: LRP5-related condition.

gnomAD v4.1: 5 of 1,614,200 alleles (0.00031%); highest among the groups gnomAD compares: Non-Finnish European, 0.00042%; no homozygotes.

Submissions (3):

PreventionGenetics, part of Exact Sciences
Classification: Uncertain significance for LRP5-related condition. Last evaluated: 2026-08-03. Review status: criteria provided, single submitter. Criteria: ACMG Guidelines, 2015. Collection method: clinical testing. Allele origin: germline.
Comment: The LRP5 c.1988A>G variant is predicted to result in the amino acid substitution p.Asn663Ser. To our knowledge, this variant has not been reported in the literature. This variant is reported in 0.00088% of alleles in individuals of European (Non-Finnish) descent in gnomAD. At this time, the clinical significance of this variant is uncertain due to the absence of conclusive functional and genetic evidence.

Labcorp Genetics (formerly Invitae), Labcorp
Classification: Uncertain significance. Last evaluated: 2026-01-28. Review status: criteria provided, single submitter. Criteria: Invitae Variant Classification Sherloc (09022015). Collection method: clinical testing. Allele origin: germline.
Comment: This sequence change replaces asparagine, which is neutral and polar, with serine, which is neutral and polar, at codon 663 of the LRP5 protein (p.Asn663Ser). This variant is present in population databases (no rsID available, gnomAD 0.0009%). This variant has not been reported in the literature in individuals affected with LRP5-related conditions. Invitae Evidence Modeling of protein sequence and biophysical properties (such as structural, functional, and spatial information, amino acid conservation, physicochemical variation, residue mobility, and thermodynamic stability) indicates that this missense variant is not expected to disrupt LRP5 protein function with a negative predictive value of 95%. In summary, the available evidence is currently insufficient to determine the role of this variant in disease. Therefore, it has been classified as a Variant of Uncertain Significance.

Ambry Genetics
Classification: Uncertain significance for Inborn genetic diseases. Last evaluated: 2025-12-02. Review status: criteria provided, single submitter. Criteria: Ambry Variant Classification Scheme 2023. Collection method: clinical testing. Allele origin: germline.